The following is an entry in ClinVar:

ClinVar aggregate classification (germline): Uncertain significance. Review status: criteria provided, multiple submitters, no conflicts (2 of 4 stars). 2 submissions from 2 submitters: Uncertain significance (2). Last evaluated 2025-04-28.

Conditions:
Hereditary cancer-predisposing syndrome. Also called: Neoplastic Syndromes, Hereditary; Hereditary Cancer Syndrome; Tumor predisposition; Hereditary neoplastic syndrome. Identifiers: Orphanet 140162, MedGen C0027672, MeSH D009386, MONDO:0015356.

Allele frequency attached by ClinVar (database versions not stated): ExAC 0.00004.

Submissions (2):

Ambry Genetics
Classification: Uncertain significance for Hereditary cancer-predisposing syndrome. Last evaluated: 2025-04-28. Review status: criteria provided, single submitter. Criteria: Ambry Variant Classification Scheme 2023. Collection method: clinical testing. Allele origin: germline.
Comment: The p.M9T variant (also known as c.26T>C), located in coding exon 1 of the NTHL1 gene, results from a T to C substitution at nucleotide position 26. The methionine at codon 9 is replaced by threonine, an amino acid with similar properties. This amino acid position is well conserved in available vertebrate species. In addition, this alteration is predicted to be tolerated by in silico analysis. Since supporting evidence is limited at this time, the clinical significance of this alteration remains unclear.

Labcorp Genetics (formerly Invitae), Labcorp
Classification: Uncertain significance. Last evaluated: 2024-07-16. Review status: criteria provided, single submitter. Criteria: Invitae Variant Classification Sherloc (09022015). Collection method: clinical testing. Allele origin: germline.
Comment: This sequence change replaces methionine, which is neutral and non-polar, with threonine, which is neutral and polar, at codon 9 of the NTHL1 protein (p.Met9Thr). The frequency data for this variant in the population databases is considered unreliable, as metrics indicate poor data quality at this position in the gnomAD database. This variant has not been reported in the literature in individuals affected with NTHL1-related conditions. ClinVar contains an entry for this variant (Variation ID: 970322). An algorithm developed to predict the effect of missense changes on protein structure and function outputs the following: PolyPhen-2: "Benign". The threonine amino acid residue is found in multiple mammalian species, which suggests that this missense change does not adversely affect protein function. In summary, the available evidence is currently insufficient to determine the role of this variant in disease. Therefore, it has been classified as a Variant of Uncertain Significance.

NM_002528.7(NTHL1):c.2T>C (p.Met1Thr)

Gene: NTHL1 (nth like DNA glycosylase 1; minus strand). Cytogenetic location: 16p13.3.
Variant type: single nucleotide variant.
Coding change: c.2T>C on transcript NM_002528.7 (MANE Select); coding-DNA position 2, T replaced by C.
Protein change: p.Met1Thr; changes the start codon (methionine 1).
Molecular consequence: missense variant, initiator codon variant. On other transcripts: 5 prime UTR variant (1).
Genome position (GRCh38, 1-based): chr16:2,047,822, A>G on the plus strand (T>C on the coding strand, the complement: NTHL1 is on the minus strand). VCF-style: chr16-2047822-A-G. GRCh37 (hg19) VCF-style: chr16-2097823-A-G.
Other names: c.2T>C, p.Met1Thr (NM_001318193.2); c.-177T>C (NM_001318194.2); short protein forms M1T.
Identifiers: ClinVar variation 970322 (VCV000970322.11), dbSNP rs764604281, ClinGen allele CA027655.